The following is an entry in ClinVar:

NM_000071.3(CBS):c.134G>A (p.Arg45Gln)

Gene: CBS (cystathionine beta-synthase; minus strand). Cytogenetic location: 21q22.3.
Variant type: single nucleotide variant.
Coding change: c.134G>A on transcript NM_000071.3 (MANE Select); coding-DNA position 134, G replaced by A.
Protein change: p.Arg45Gln; replaces arginine 45 with glutamine.
Molecular consequence: missense variant.
Genome position (GRCh38, 1-based): chr21:43,072,060, C>T on the plus strand (G>A on the coding strand, the complement: CBS is on the minus strand). VCF-style: chr21-43072060-C-T. GRCh37 (hg19) VCF-style: chr21-44492170-C-T.
Other names: c.134G>A, p.Arg45Gln (NM_001178008.3, NM_001178009.3, NM_001320298.2); short protein forms R45Q.
Identifiers: ClinVar variation 236935 (VCV000236935.18), dbSNP rs759502207, ClinGen allele CA10583892.
Genomic context (GRCh38, chr21:43,072,060, plus strand): 5'-TGTGGGGACTCGGAGGCAGGCCGGCCCAGCTGCCAGGTGCACCTGCTCGGAGCATCGGGC[C>T]GGATCCACAGGGGCTCCTTGGCTTCCTTATCCTCTGGGGACCCCTTCTCCAGGCTCCCCT-3'
Protein context (NP_000062.1, residues 35-55): DKEAKEPLWI[Arg45Gln]PDAPSRCTWQ

ClinVar aggregate classification (germline): Uncertain significance. Review status: criteria provided, multiple submitters, no conflicts (2 of 4 stars). 7 submissions from 7 submitters: Uncertain significance (6). 1 of the submissions does not count toward it. Last evaluated 2026-03-15.

Conditions:
Familial thoracic aortic aneurysm and aortic dissection (TAAD). Also called: Thoracic aortic aneurysms and dissections. Identifiers: Orphanet 91387, MedGen C4707243, MONDO:0019625.
Classic homocystinuria. Also called: Homocystinuria due to Cystathionine Beta-Synthase Deficiency; HOMOCYSTINURIA WITH OR WITHOUT RESPONSE TO PYRIDOXINE; Homocystinuria due to CBS deficiency; Cystathionine beta-synthase deficiency; CBS deficiency. Identifiers: Orphanet 394, MedGen C0751202, MONDO:0009352, OMIM 236200.
HYPERHOMOCYSTEINEMIA, THROMBOTIC, CBS-RELATED. Identifiers: MedGen C3150344, OMIM 236200.

Allele frequency attached by ClinVar (database versions not stated): gnomAD exomes 0.00008; ExAC 0.00009.

Submissions (7):

Women's Health and Genetics/Laboratory Corporation of America, LabCorp
Classification: Uncertain significance. Last evaluated: 2026-03-15. Review status: criteria provided, single submitter. Criteria: LabCorp Variant Classification Summary - May 2015. Collection method: clinical testing. Allele origin: germline.

Labcorp Genetics (formerly Invitae), Labcorp
Classification: Uncertain significance for HYPERHOMOCYSTEINEMIA, THROMBOTIC, CBS-RELATED. Last evaluated: 2026-01-19. Review status: criteria provided, single submitter. Criteria: Invitae Variant Classification Sherloc (09022015). Collection method: clinical testing. Allele origin: germline.
Comment: This sequence change replaces arginine, which is basic and polar, with glutamine, which is neutral and polar, at codon 45 of the CBS protein (p.Arg45Gln). This variant is present in population databases (rs759502207, gnomAD 0.02%). This variant has not been reported in the literature in individuals affected with CBS-related conditions. ClinVar contains an entry for this variant (Variation ID: 236935). Invitae Evidence Modeling of protein sequence and biophysical properties (such as structural, functional, and spatial information, amino acid conservation, physicochemical variation, residue mobility, and thermodynamic stability) has been performed for this missense variant. However, the output from this modeling did not meet the statistical confidence thresholds required to predict the impact of this variant on CBS protein function. In summary, the available evidence is currently insufficient to determine the role of this variant in disease. Therefore, it has been classified as a Variant of Uncertain Significance.

ARUP Laboratories, Molecular Genetics and Genomics, ARUP Laboratories
Classification: Uncertain significance. Last evaluated: 2025-03-07. Review status: criteria provided, single submitter. Criteria: ARUP Molecular Germline Variant Investigation Process 2024. Collection method: clinical testing. Allele origin: germline.
Comment: The CBS c.134G>A; p.Arg45Gln variant (rs759502207), to our knowledge, is not reported in the medical literature but is reported in ClinVar (Variation ID: 236935). This variant is found in the general population with an overall allele frequency of 0.008% (20/250692 alleles) in the Genome Aggregation Database (v2.1.1). Computational analyses are uncertain whether this variant is neutral or deleterious (REVEL: 0.547). Due to limited information, the clinical significance of this variant is uncertain at this time.

Blueprint Genetics
Classification: Uncertain significance. Last evaluated: 2024-11-13. Review status: criteria provided, single submitter. Criteria: ACMG Guidelines, 2015. Collection method: clinical testing. Allele origin: germline.

Ambry Genetics
Classification: Uncertain significance for Familial thoracic aortic aneurysm and aortic dissection. Last evaluated: 2024-07-30. Review status: criteria provided, single submitter. Criteria: Ambry Variant Classification Scheme 2023. Collection method: clinical testing. Allele origin: germline.

GeneDx
Classification: Uncertain significance. Last evaluated: 2021-07-15. Review status: criteria provided, single submitter. Criteria: GeneDx Variant Classification Process June 2021. Collection method: clinical testing. Allele origin: germline. Affected: yes.
Comment: In silico analysis supports that this missense variant does not alter protein structure/function; Has not been previously published as pathogenic or benign to our knowledge; This variant is associated with the following publications: (PMID: 27535533)

Natera, Inc.
Classification: Uncertain significance for Homocystinuria due to cystathionine beta-synthase deficiency. Last evaluated: 2020-01-17. Review status: no assertion criteria provided. Collection method: clinical testing. Allele origin: germline. Not counted in ClinVar's aggregate classification.